The following is an entry in ClinVar:

NM_031935.3(HMCN1):c.11402A>T (p.His3801Leu)

Gene: HMCN1 (hemicentin 1; plus strand). Cytogenetic location: 1q31.1.
Variant type: single nucleotide variant.
Coding change: c.11402A>T on transcript NM_031935.3 (MANE Select); coding-DNA position 11402, A replaced by T.
Protein change: p.His3801Leu; replaces histidine 3801 with leucine.
Molecular consequence: missense variant.
Genome position (GRCh38, 1-based): chr1:186,114,944, A>T. VCF-style: chr1-186114944-A-T. GRCh37 (hg19) VCF-style: chr1-186084076-A-T.
Other names: short protein forms H3801L.
Identifiers: ClinVar variation 2899686 (VCV002899686.3), dbSNP rs149914246, ClinGen allele CA1294024.
Genomic context (GRCh38, chr1:186,114,944, plus strand): 5'-ATTTGTGTATGGCCACCAATGCTGCTGGAACAGATCGCAGGCGAATAGATTTACAGGTCC[A>T]TGGTAAATATCCGTTTATAGACAACATCCGGTCTCTGTGTCAAATGCTCTTTGATTGCCT-3'
Protein context (NP_114141.2, residues 3791-3811): TDRRRIDLQV[His3801Leu]VPPSIAPGPT

ClinVar aggregate classification (germline): Uncertain significance (1 of 4 stars; one submission).

Allele frequency attached by ClinVar (database versions not stated): ExAC 0.00002; TOPMed 0.00004; ESP Exome Variant Server 0.00008.
gnomAD v4.1: 42 of 1,614,080 alleles (0.0026%); highest among the groups gnomAD compares: Middle Eastern, 0.016%; no homozygotes.

Submission:

Labcorp Genetics (formerly Invitae), Labcorp
Classification: Uncertain significance. Last evaluated: 2024-04-15. Review status: criteria provided, single submitter. Criteria: Invitae Variant Classification Sherloc (09022015). Collection method: clinical testing. Allele origin: germline.
Comment: This sequence change replaces histidine, which is basic and polar, with leucine, which is neutral and non-polar, at codon 3801 of the HMCN1 protein (p.His3801Leu). This variant is present in population databases (rs149914246, gnomAD 0.004%). This variant has not been reported in the literature in individuals affected with HMCN1-related conditions. An algorithm developed to predict the effect of missense changes on protein structure and function (PolyPhen-2) suggests that this variant is likely to be disruptive. In summary, the available evidence is currently insufficient to determine the role of this variant in disease. Therefore, it has been classified as a Variant of Uncertain Significance.